The following is an entry in ClinVar:

ClinVar aggregate classification (germline): Uncertain significance (1 of 4 stars; one submission).

Conditions:
Hyperphosphatasia with impaired intellectual development syndrome 2. Also called: Hyperphosphatasia with intellectual disability syndrome 2; GLYCOSYLPHOSPHATIDYLINOSITOL BIOSYNTHESIS DEFECT 6. Identifiers: Orphanet 247262, MedGen C3553637, MONDO:0013882, OMIM 614749.

Submission:

Labcorp Genetics (formerly Invitae), Labcorp
Classification: Uncertain significance for Hyperphosphatasia with impaired intellectual development syndrome 2. Last evaluated: 2021-09-01. Review status: criteria provided, single submitter. Criteria: Invitae Variant Classification Sherloc (09022015). Collection method: clinical testing. Allele origin: germline.
Comment: This variant, c.2555_2572del, results in the deletion of 6 amino acid(s) of the PIGO protein (p.Ala852_Leu857del), but otherwise preserves the integrity of the reading frame. This variant is not present in population databases (ExAC no frequency). This variant has not been reported in the literature in individuals affected with PIGO-related conditions. Experimental studies and prediction algorithms are not available or were not evaluated, and the functional significance of this variant is currently unknown. In summary, the available evidence is currently insufficient to determine the role of this variant in disease. Therefore, it has been classified as a Variant of Uncertain Significance.

NM_032634.4(PIGO):c.2555_2572del (p.Ala852_Leu857del)

Gene: PIGO (phosphatidylinositol glycan anchor biosynthesis class O; minus strand). Cytogenetic location: 9p13.3.
Variant type: Deletion.
Coding change: c.2555_2572del on transcript NM_032634.4 (MANE Select); coding-DNA positions 2555 to 2572, 18 bases deleted (CGGAGCGCATCAGCCTTG).
Protein change: p.Ala852_Leu857del.
Molecular consequence: inframe deletion. On other transcripts: intron variant (2).
Genome position (GRCh38, 1-based): chr9:35,091,315-35,091,332, CAAGGCTGATGCGCTCCG deleted on the plus strand (CGGAGCGCATCAGCCTTG on the coding strand, the reverse complement: PIGO is on the minus strand); deleting any 18 consecutive bases within chr9:35,091,315-35,091,334 gives the same sequence; the c. name uses the placement nearest the transcript's 3' end. VCF-style (leftmost placement, unchanged base first): chr9-35091314-ACAAGGCTGATGCGCTCCG-A. GRCh37 (hg19) VCF-style: chr9-35091311-ACAAGGCTGATGCGCTCCG-A.
Other names: c.1345-41_1345-24del (NM_152850.4, NM_001201484.2).
Identifiers: ClinVar variation 963898 (VCV000963898.7), dbSNP rs1829403799, ClinGen allele CA1139660979.